The following is an entry in ClinVar:

NM_152703.5(SAMD9L):c.1193T>C (p.Leu398Pro)

Gene: SAMD9L (sterile alpha motif domain containing 9 like; minus strand). Cytogenetic location: 7q21.2.
Variant type: single nucleotide variant.
Coding change: c.1193T>C on transcript NM_152703.5 (MANE Select); coding-DNA position 1193, T replaced by C.
Protein change: p.Leu398Pro; replaces leucine 398 with proline.
Molecular consequence: missense variant.
Genome position (GRCh38, 1-based): chr7:93,134,779, A>G on the plus strand (T>C on the coding strand, the complement: SAMD9L is on the minus strand). VCF-style: chr7-93134779-A-G. GRCh37 (hg19) VCF-style: chr7-92764092-A-G.
Other names: c.1193T>C, p.Leu398Pro (NM_001303496.3, NM_001303497.3, NM_001303498.3 and 5 more transcripts); short protein forms L398P.
Identifiers: ClinVar variation 4630099 (VCV004630099.1).

ClinVar aggregate classification (germline): Uncertain significance (1 of 4 stars; one submission).

Conditions:
Inborn genetic diseases. Identifiers: MedGen C0950123, MeSH D030342.

Submission:

Ambry Genetics
Classification: Uncertain significance for Inborn genetic diseases. Last evaluated: 2025-11-08. Review status: criteria provided, single submitter. Criteria: Ambry Variant Classification Scheme 2023. Collection method: clinical testing. Allele origin: germline.
Comment: The p.L398P variant (also known as c.1193T>C), located in coding exon 1 of the SAMD9L gene, results from a T to C substitution at nucleotide position 1193. The leucine at codon 398 is replaced by proline, an amino acid with similar properties. This amino acid position is conserved. In addition, the in silico prediction for this alteration is inconclusive. Based on the available evidence, the clinical significance of this variant remains unclear.